The following is an entry in ClinVar:

ClinVar aggregate classification (germline): Uncertain significance. Review status: criteria provided, multiple submitters, no conflicts (2 of 4 stars). 2 submissions from 2 submitters: Uncertain significance (2). Last evaluated 2025-03-24.

Conditions:
Multiple endocrine neoplasia, type 2 (MEN2). Identifiers: Orphanet 653, MedGen C4048306, MONDO:0019003. Disease mechanism: gain of function.
Multiple endocrine neoplasia type 2A. Also called: MULTIPLE ENDOCRINE NEOPLASIA, TYPE IIA; PTC SYNDROME; SIPPLE SYNDROME; MEN 2A; MEN-2A syndrome; Pheochromocytoma and amyloid producing medullary thyroid carcinoma. Identifiers: Orphanet 247698, Orphanet 653, MedGen C0025268, MeSH D018813, MONDO:0008234, OMIM 171400.

Submissions (2):

Labcorp Genetics (formerly Invitae), Labcorp
Classification: Uncertain significance for Multiple endocrine neoplasia, type 2. Last evaluated: 2025-03-24. Review status: criteria provided, single submitter. Criteria: Invitae Variant Classification Sherloc (09022015). Collection method: clinical testing. Allele origin: germline.
Comment: This sequence change replaces valine, which is neutral and non-polar, with alanine, which is neutral and non-polar, at codon 945 of the RET protein (p.Val945Ala). This variant is not present in population databases (gnomAD no frequency). This variant has not been reported in the literature in individuals affected with RET-related conditions. ClinVar contains an entry for this variant (Variation ID: 584749). An algorithm developed to predict the effect of missense changes on protein structure and function (PolyPhen-2) suggests that this variant is likely to be disruptive. In summary, the available evidence is currently insufficient to determine the role of this variant in disease. Therefore, it has been classified as a Variant of Uncertain Significance.

Mendelics
Classification: Uncertain significance for Multiple endocrine neoplasia, type 2a. Last evaluated: 2018-07-02. Review status: criteria provided, single submitter. Criteria: Mendelics Assertion Criteria 2017. Collection method: clinical testing. Allele origin: unknown.

NM_020975.6(RET):c.2834T>C (p.Val945Ala)

Gene: RET (ret proto-oncogene; plus strand). Cytogenetic location: 10q11.21.
Variant type: single nucleotide variant.
Coding change: c.2834T>C on transcript NM_020975.6 (MANE Select); coding-DNA position 2834, T replaced by C.
Protein change: p.Val945Ala; replaces valine 945 with alanine.
Molecular consequence: missense variant.
Genome position (GRCh38, 1-based): chr10:43,123,703, T>C. VCF-style: chr10-43123703-T-C. GRCh37 (hg19) VCF-style: chr10-43619151-T-C.
Other names: c.2834T>C, p.Val945Ala (NM_000323.2, NM_001406743.1, NM_001406744.1 and 4 more transcripts); c.2072T>C, p.Val691Ala (NM_001355216.2); c.2705T>C, p.Val902Ala (NM_001406761.1, NM_001406762.1, NM_001406764.1); c.2699T>C, p.Val900Ala (NM_001406763.1, NM_001406765.1); c.2546T>C, p.Val849Ala (NM_001406766.1, NM_001406767.1, NM_001406770.1); c.2570T>C, p.Val857Ala (NM_001406768.1); c.2438T>C, p.Val813Ala (NM_001406769.1, NM_001406772.1); c.2396T>C, p.Val799Ala (NM_001406771.1, NM_001406773.1); and 10 more; short protein forms V945A, V691A, V462A, V510A, V601A, V603A, V646A, V799A.
Identifiers: ClinVar variation 584749 (VCV000584749.11), dbSNP rs1408196943, ClinGen allele CA376557783.